The following is an entry in ClinVar:

NM_000548.5(TSC2):c.3351G>A (p.Gly1117=)

Gene: TSC2 (TSC complex subunit 2; plus strand). Cytogenetic location: 16p13.3.
Variant type: single nucleotide variant.
Coding change: c.3351G>A on transcript NM_000548.5 (MANE Select); coding-DNA position 3351, G replaced by A.
Protein change: p.Gly1117=; no amino-acid change (glycine 1117 retained).
Molecular consequence: synonymous variant.
Genome position (GRCh38, 1-based): chr16:2,079,623, G>A. VCF-style: chr16-2079623-G-A. GRCh37 (hg19) VCF-style: chr16-2129624-G-A.
Other names: c.3219G>A, p.Gly1073= (NM_001077183.3, NM_001370404.1); c.3351G>A, p.Gly1117= (NM_001114382.3); c.3111G>A, p.Gly1037= (NM_001318827.2); c.3075G>A, p.Gly1025= (NM_001318829.2); c.2619G>A, p.Gly873= (NM_001318831.2); c.3252G>A, p.Gly1084= (NM_001318832.2); c.3222G>A, p.Gly1074= (NM_001363528.2, NM_001370405.1, NM_021055.3).
Identifiers: ClinVar variation 805697 (VCV000805697.7), dbSNP rs1596386166, ClinGen allele CA492955291.

ClinVar aggregate classification (germline): Benign/Likely benign. Review status: criteria provided, multiple submitters, no conflicts (2 of 4 stars). 5 submissions from 5 submitters: Benign (1); Likely benign (4). Last evaluated 2026-01-20.

Conditions:
Hereditary cancer-predisposing syndrome. Also called: Hereditary Cancer Syndrome; Neoplastic Syndromes, Hereditary; Hereditary neoplastic syndrome; Tumor predisposition. Identifiers: Orphanet 140162, MedGen C0027672, MeSH D009386, MONDO:0015356.
Tuberous sclerosis 2 (TSC2). Identifiers: Orphanet 805, MedGen C1860707, MONDO:0013199, OMIM 613254.

Submissions (5):

Women's Health and Genetics/Laboratory Corporation of America, LabCorp
Classification: Likely benign. Last evaluated: 2026-01-20. Review status: criteria provided, single submitter. Criteria: LabCorp Variant Classification Summary - May 2015. Collection method: clinical testing. Allele origin: germline.

Myriad Genetics, Inc.
Classification: Benign for Tuberous sclerosis 2. Last evaluated: 2025-05-29. Review status: criteria provided, single submitter. Criteria: Myriad Autosomal Dominant, Autosomal Recessive and X-Linked Classification Criteria (2023). Collection method: clinical testing. Allele origin: unknown.
Comment: This variant is considered benign. This variant is a silent/synonymous amino acid change and it is not expected to impact splicing.

Labcorp Genetics (formerly Invitae), Labcorp
Classification: Likely benign for Tuberous sclerosis 2. Last evaluated: 2024-03-19. Review status: criteria provided, single submitter. Criteria: Invitae Variant Classification Sherloc (09022015). Collection method: clinical testing. Allele origin: germline.

Sema4
Classification: Likely benign for Hereditary cancer-predisposing syndrome. Last evaluated: 2020-08-04. Review status: criteria provided, single submitter. Criteria: Sema4 Curation Guidelines. Collection method: curation. Allele origin: germline.

Athena Diagnostics
Classification: Likely benign. Last evaluated: 2018-09-21. Review status: criteria provided, single submitter. Criteria: Athena Diagnostics Criteria. Collection method: clinical testing. Allele origin: germline.